The following is an entry in ClinVar:

NM_000038.6(APC):c.834+4073G>A

Gene: APC (APC regulator of WNT signaling pathway; plus strand). Cytogenetic location: 5q22.2.
Variant type: single nucleotide variant.
Coding change: c.834+4073G>A on transcript NM_000038.6 (MANE Select); 4073 bases into the intron after coding-DNA position 834, G replaced by A.
Molecular consequence: intron variant.
Genome position (GRCh38, 1-based): chr5:112,805,456, G>A. VCF-style: chr5-112805456-G-A. GRCh37 (hg19) VCF-style: chr5-112141153-G-A.
Other names: c.834+4073G>A (NM_001354895.2, NM_001127510.3, NM_001354896.2 and 1 more transcripts); c.864+4073G>A (NM_001354897.2, NM_001354902.2); c.780+4073G>A (NM_001127511.3); c.759+4073G>A (NM_001354898.2, NM_001354904.2); c.-202+4073G>A (NM_001354906.2); c.750+4073G>A (NM_001354899.2); c.657+4073G>A (NM_001354900.2, NM_001354901.2, NM_001354905.2).
Identifiers: ClinVar variation 83056 (VCV000083056.2), dbSNP rs75165325, ClinGen allele CA014778.

ClinVar aggregate classification (germline): other (0 of 4 stars; one submission).

Conditions:
Familial colorectal cancer. Identifiers: MedGen CN280943, MONDO:0023113. Disease mechanism: loss of function.

Allele frequency attached by ClinVar (database versions not stated): gnomAD 0.00613 and 0.00677; TOPMed 0.00736; 1000 Genomes Project 30x 0.02233; 1000 Genomes Project 0.02276.
gnomAD v4.1: 1,021 of 152,276 alleles (0.67%); highest among the groups gnomAD compares: East Asian, 7.9%; 18 homozygotes.

Submission:

Systems Biology Platform Zhejiang California International NanoSystems Institute
Classification: other for Familial colorectal cancer. Review status: no assertion criteria provided. Collection method: not provided. Allele origin: unknown.
ClinVar note: Converted during submission from cancer to other.